The following is an entry in ClinVar:

ClinVar aggregate classification (germline): Conflicting classifications of pathogenicity. Review status: criteria provided, conflicting classifications (1 of 4 stars). 2 submissions from 2 submitters: Uncertain significance (1); Likely benign (1). Last evaluated 2024-02-11.

Conditions:
Renal cell carcinoma. Identifiers: Orphanet 217071, MedGen C0007134, MeSH D002292, MONDO:0005086, HP:0005584.
Hereditary cancer-predisposing syndrome. Also called: Tumor predisposition; Neoplastic Syndromes, Hereditary; Hereditary Cancer Syndrome; Hereditary neoplastic syndrome. Identifiers: Orphanet 140162, MedGen C0027672, MeSH D009386, MONDO:0015356.

Allele frequency attached by ClinVar (database versions not stated): gnomAD exomes below 0.00001.
gnomAD v4.1: 1 of 1,613,918 alleles (0.000062%); highest among the groups gnomAD compares: Non-Finnish European, 0.000085%; no homozygotes.

Submissions (2):

Ambry Genetics
Classification: Likely benign for Hereditary cancer-predisposing syndrome. Last evaluated: 2024-02-11. Review status: criteria provided, single submitter. Criteria: Ambry Variant Classification Scheme 2023. Collection method: clinical testing. Allele origin: germline.

Labcorp Genetics (formerly Invitae), Labcorp
Classification: Uncertain significance for Renal cell carcinoma. Last evaluated: 2022-09-17. Review status: criteria provided, single submitter. Criteria: Invitae Variant Classification Sherloc (09022015). Collection method: clinical testing. Allele origin: germline.
Comment: This variant is not present in population databases (gnomAD no frequency). In summary, the available evidence is currently insufficient to determine the role of this variant in disease. Therefore, it has been classified as a Variant of Uncertain Significance. Algorithms developed to predict the effect of missense changes on protein structure and function output the following: SIFT: "Tolerated"; PolyPhen-2: "Benign"; Align-GVGD: "Class C0". The threonine amino acid residue is found in multiple mammalian species, which suggests that this missense change does not adversely affect protein function. This variant has not been reported in the literature in individuals affected with MET-related conditions. This sequence change replaces isoleucine, which is neutral and non-polar, with threonine, which is neutral and polar, at codon 716 of the MET protein (p.Ile716Thr).

NM_000245.4(MET):c.2147T>C (p.Ile716Thr)

Gene: MET (MET proto-oncogene, receptor tyrosine kinase; plus strand). Cytogenetic location: 7q31.2.
Variant type: single nucleotide variant.
Coding change: c.2147T>C on transcript NM_000245.4 (MANE Select); coding-DNA position 2147, T replaced by C.
Protein change: p.Ile716Thr; replaces isoleucine 716 with threonine.
Molecular consequence: missense variant.
Genome position (GRCh38, 1-based): chr7:116,758,503, T>C. VCF-style: chr7-116758503-T-C. GRCh37 (hg19) VCF-style: chr7-116398557-T-C.
Other names: c.2147T>C, p.Ile716Thr (NM_001127500.3, NM_001324401.3); c.857T>C, p.Ile286Thr (NM_001324402.2); short protein forms I716T, I286T.
Identifiers: ClinVar variation 2081096 (VCV002081096.5), dbSNP rs2116930765, ClinGen allele CA368980533.